The following is an entry in ClinVar:

NM_054027.6(ANKH):c.320G>A (p.Ser107Asn)

Gene: ANKH (ANKH inorganic pyrophosphate transport regulator; minus strand). Cytogenetic location: 5p15.2.
Variant type: single nucleotide variant.
Coding change: c.320G>A on transcript NM_054027.6 (MANE Select); coding-DNA position 320, G replaced by A.
Protein change: p.Ser107Asn; replaces serine 107 with asparagine.
Molecular consequence: missense variant.
Genome position (GRCh38, 1-based): chr5:14,758,592, C>T on the plus strand (G>A on the coding strand, the complement: ANKH is on the minus strand). VCF-style: chr5-14758592-C-T. GRCh37 (hg19) VCF-style: chr5-14758701-C-T.
Other names: short protein forms S107N.
Identifiers: ClinVar variation 2578145 (VCV002578145.1), dbSNP rs2477420041, ClinGen allele CA359251214.

ClinVar aggregate classification (germline): Uncertain significance (1 of 4 stars; one submission).

Allele frequency attached by ClinVar (database versions not stated): gnomAD exomes below 0.00001.
gnomAD v4.1: 1 of 1,603,872 alleles (0.000062%); highest among the groups gnomAD compares: Admixed American, 0.0017%; no homozygotes.

Submission:

GeneDx
Classification: Uncertain significance. Last evaluated: 2023-03-02. Review status: criteria provided, single submitter. Criteria: GeneDx Variant Classification Process June 2021. Collection method: clinical testing. Allele origin: germline. Affected: yes.
Comment: Not observed at significant frequency in large population cohorts (gnomAD); In silico analysis supports that this missense variant does not alter protein structure/function; Has not been previously published as pathogenic or benign to our knowledge